The following is an entry in ClinVar:

ClinVar aggregate classification (germline): Uncertain significance. Review status: criteria provided, multiple submitters, no conflicts (2 of 4 stars). 2 submissions from 2 submitters: Uncertain significance (2). Last evaluated 2023-07-09.

gnomAD v4.1: 11 of 1,613,254 alleles (0.00068%); highest among the groups gnomAD compares: African/African-American, 0.015%; no homozygotes.

Submissions (2):

Women's Health and Genetics/Laboratory Corporation of America, LabCorp
Classification: Uncertain significance. Last evaluated: 2023-07-09. Review status: criteria provided, single submitter. Criteria: LabCorp Variant Classification Summary - May 2015. Collection method: clinical testing. Allele origin: germline.

GeneDx
Classification: Uncertain significance. Last evaluated: 2021-08-26. Review status: criteria provided, single submitter. Criteria: GeneDx Variant Classification Process June 2021. Collection method: clinical testing. Allele origin: germline. Affected: yes.
Comment: Not observed at significant frequency in large population cohorts (Lek et al., 2016); Missense variant in a gene in which most reported pathogenic variants are truncating/loss-of-function; Has not been previously published as pathogenic or benign to our knowledge

NM_001267550.2(TTN):c.42524T>C (p.Phe14175Ser)

Gene: TTN (titin; minus strand). Cytogenetic location: 2q31.2.
Variant type: single nucleotide variant.
Coding change: c.42524T>C on transcript NM_001267550.2 (MANE Select); coding-DNA position 42524, T replaced by C.
Protein change: p.Phe14175Ser; replaces phenylalanine 14175 with serine.
Molecular consequence: missense variant.
Genome position (GRCh38, 1-based): chr2:178,633,975, A>G on the plus strand (T>C on the coding strand, the complement: TTN is on the minus strand). VCF-style: chr2-178633975-A-G. GRCh37 (hg19) VCF-style: chr2-179498702-A-G.
Other names: c.37601T>C, p.Phe12534Ser (NM_001256850.1); c.15329T>C, p.Phe5110Ser (NM_003319.4); c.34820T>C, p.Phe11607Ser (NM_133378.4); c.15704T>C, p.Phe5235Ser (NM_133432.3); c.15905T>C, p.Phe5302Ser (NM_133437.4); short protein forms F11607S, F12534S, F14175S, F5110S, F5235S, F5302S.
Identifiers: ClinVar variation 1254476 (VCV001254476.3), dbSNP rs575813993, ClinGen allele CA349654642.
Genomic context (GRCh38, chr2:178,633,975, plus strand): 5'-GTCTTGCCCTCAGAAGAGATGAGTACTGTTCTGCTTGTATGGAGTTTGGCATCATTTTTG[A>G]ACCAGACTACATGCATTTTTTCATGAGAAAGTTCACAAACAAAAGTTGCTGTTTCACCTT-3'
Protein context (NP_001254479.2, residues 14165-14185): LSHEKMHVVW[Phe14175Ser]KNDAKLHTSR